The following is an entry in ClinVar:

NM_020070.4(IGLL1):c.134C>T (p.Ser45Leu)

Gene: IGLL1 (immunoglobulin lambda like polypeptide 1; minus strand). Cytogenetic location: 22q11.23.
Variant type: single nucleotide variant.
Coding change: c.134C>T on transcript NM_020070.4 (MANE Select); coding-DNA position 134, C replaced by T.
Protein change: p.Ser45Leu; replaces serine 45 with leucine.
Molecular consequence: missense variant.
Genome position (GRCh38, 1-based): chr22:23,580,057, G>A on the plus strand (C>T on the coding strand, the complement: IGLL1 is on the minus strand). VCF-style: chr22-23580057-G-A. GRCh37 (hg19) VCF-style: chr22-23922244-G-A.
Other names: c.134C>T, p.Ser45Leu (NM_001369906.1, NM_152855.3); short protein forms S45L.
Identifiers: ClinVar variation 1391863 (VCV001391863.8), dbSNP rs758781859, ClinGen allele CA10143422.

ClinVar aggregate classification (germline): Uncertain significance (1 of 4 stars; one submission).

Conditions:
Agammaglobulinemia 2, autosomal recessive (AGM2). Also called: AGAMMAGLOBULINEMIA, AUTOSOMAL RECESSIVE, DUE TO IGLL1 DEFECT. Identifiers: MedGen C3150750, MONDO:0013287, OMIM 613500.

Allele frequency attached by ClinVar (database versions not stated): gnomAD 0.00003; gnomAD exomes 0.00001; ExAC 0.00004.
gnomAD v4.1: 15 of 1,575,172 alleles (0.00095%); highest among the groups gnomAD compares: Admixed American, 0.0055%; no homozygotes.

Submission:

Labcorp Genetics (formerly Invitae), Labcorp
Classification: Uncertain significance for Agammaglobulinemia 2, autosomal recessive. Last evaluated: 2023-05-03. Review status: criteria provided, single submitter. Criteria: Invitae Variant Classification Sherloc (09022015). Collection method: clinical testing. Allele origin: germline.
Comment: ClinVar contains an entry for this variant (Variation ID: 1391863). An algorithm developed to predict the effect of missense changes on protein structure and function (PolyPhen-2) suggests that this variant is likely to be tolerated. In summary, the available evidence is currently insufficient to determine the role of this variant in disease. Therefore, it has been classified as a Variant of Uncertain Significance. This variant has not been reported in the literature in individuals affected with IGLL1-related conditions. This sequence change replaces serine, which is neutral and polar, with leucine, which is neutral and non-polar, at codon 45 of the IGLL1 protein (p.Ser45Leu). The frequency data for this variant in the population databases is considered unreliable, as metrics indicate poor data quality at this position in the gnomAD database.